The following is an entry in ClinVar:

NM_020932.3(MAGEE1):c.1222C>T (p.Pro408Ser)

Gene: MAGEE1 (MAGE family member E1; plus strand). Cytogenetic location: Xq13.3.
Variant type: single nucleotide variant.
Coding change: c.1222C>T on transcript NM_020932.3 (MANE Select); coding-DNA position 1222, C replaced by T.
Protein change: p.Pro408Ser; replaces proline 408 with serine.
Molecular consequence: missense variant.
Genome position (GRCh38, 1-based): chrX:76,429,152, C>T. VCF-style: chrX-76429152-C-T. GRCh37 (hg19) VCF-style: chrX-75649545-C-T.
Other names: short protein forms P408S.
Identifiers: ClinVar variation 4828114 (VCV004828114.1).

ClinVar aggregate classification (germline): Uncertain significance (1 of 4 stars; one submission).

gnomAD v4.1: 9 of 1,211,121 alleles (0.00074%); highest among the groups gnomAD compares: Admixed American, 0.0022%; no homozygotes.

Submission:

Ambry Genetics
Classification: Uncertain significance. Last evaluated: 2026-02-27. Review status: criteria provided, single submitter. Criteria: Ambry Variant Classification Scheme 2023. Collection method: clinical testing. Allele origin: germline.
Comment: The c.1222C>T (p.P408S) alteration is located in exon 1 (coding exon 1) of the MAGEE1 gene. This alteration results from a C to T substitution at nucleotide position 1222, causing the proline (P) at amino acid position 408 to be replaced by a serine (S). Based on data from gnomAD, the T allele has an overall frequency of 0.001% (2/181230) total alleles studied. The highest observed frequency was 0.003% (2/80824) of European (non-Finnish) alleles. Based on insufficient or conflicting evidence, the clinical significance of this alteration remains unclear.